The following is an entry in ClinVar:

ClinVar aggregate classification (germline): Uncertain significance (1 of 4 stars; one submission).

gnomAD v4.1: 1 of 1,613,780 alleles (0.000062%); highest among the groups gnomAD compares: Admixed American, 0.0017%; no homozygotes.

Submission:

GeneDx
Classification: Uncertain significance. Last evaluated: 2024-07-14. Review status: criteria provided, single submitter. Criteria: GeneDx Variant Classification Process June 2021. Collection method: clinical testing. Allele origin: germline. Affected: yes.
Comment: Not observed at significant frequency in large population cohorts (gnomAD); In silico analysis supports that this missense variant has a deleterious effect on protein structure/function; Has not been previously published as pathogenic or benign to our knowledge

NM_000168.6(GLI3):c.4271A>T (p.Glu1424Val)

Gene: GLI3 (GLI family zinc finger 3; minus strand). Cytogenetic location: 7p14.1.
Variant type: single nucleotide variant.
Coding change: c.4271A>T on transcript NM_000168.6 (MANE Select); coding-DNA position 4271, A replaced by T.
Protein change: p.Glu1424Val; replaces glutamic acid 1424 with valine.
Molecular consequence: missense variant.
Genome position (GRCh38, 1-based): chr7:41,964,802, T>A on the plus strand (A>T on the coding strand, the complement: GLI3 is on the minus strand). VCF-style: chr7-41964802-T-A. GRCh37 (hg19) VCF-style: chr7-42004400-T-A.
Other names: short protein forms E1424V.
Identifiers: ClinVar variation 3573658 (VCV003573658.1).
Genomic context (GRCh38, chr7:41,964,802, plus strand): 5'-TAGAACTGACCAGAGTAATTCTGCAGATTAGAGCACAGCGGATGGGGCTGCCCTTTCATC[T>A]CCATCTTGATACCATTCACCCTGCAGGTCTGACTTGTGTCACTGAGCTGTCCTGACTGCA-3'
Protein context (NP_000159.3, residues 1414-1434): QTCRVNGIKM[Glu1424Val]MKGQPHPLCS